The following is an entry in ClinVar:

NM_001014809.3(CRMP1):c.626C>T (p.Ala209Val)

Gene: CRMP1 (collapsin response mediator protein 1; minus strand). Cytogenetic location: 4p16.2.
Variant type: single nucleotide variant.
Coding change: c.626C>T on transcript NM_001014809.3 (MANE Select); coding-DNA position 626, C replaced by T.
Protein change: p.Ala209Val; replaces alanine 209 with valine.
Molecular consequence: missense variant.
Genome position (GRCh38, 1-based): chr4:5,861,055, G>A on the plus strand (C>T on the coding strand, the complement: CRMP1 is on the minus strand). VCF-style: chr4-5861055-G-A. GRCh37 (hg19) VCF-style: chr4-5862782-G-A.
Other names: c.278C>T, p.Ala93Val (NM_001288661.2); c.266C>T, p.Ala89Val (NM_001288662.1); c.284C>T, p.Ala95Val (NM_001313.5); short protein forms A209V, A89V, A93V, A95V.
Identifiers: ClinVar variation 3600385 (VCV003600385.1).

ClinVar aggregate classification (germline): Uncertain significance (1 of 4 stars; one submission).

Conditions:
CRMP1-related neurodevelopmental disorder.

gnomAD v4.1: 7 of 1,614,004 alleles (0.00043%); highest among the groups gnomAD compares: Admixed American, 0.0017%; no homozygotes.

Submission:

Clinical Genomics Laboratory, Washington University in St. Louis
Classification: Uncertain significance for CRMP1-related neurodevelopmental disorder. Last evaluated: 2024-08-19. Review status: criteria provided, single submitter. Criteria: ACMG Guidelines, 2015. Collection method: clinical testing. Allele origin: germline.
Comment: The CRMP1 c.626C>T (p.Ala209Val) variant, to our knowledge, has not been reported in the medical literature. This variant is only observed on 1/251,394 alleles in the general population (gnomAD v.2.1.1), indicating it is not a common variant. Computational predictors indicate that the variant is damaging, evidence that correlates with impact to CRMP1 function. Due to limited information, the clinical significance of this variant is uncertain.